The following is an entry in ClinVar:

NM_016222.4(DDX41):c.583G>A (p.Gly195Ser)

Gene: DDX41 (DEAD-box helicase 41; minus strand). Cytogenetic location: 5q35.3.
Variant type: single nucleotide variant.
Coding change: c.583G>A on transcript NM_016222.4 (MANE Select); coding-DNA position 583, G replaced by A.
Protein change: p.Gly195Ser; replaces glycine 195 with serine.
Molecular consequence: missense variant.
Genome position (GRCh38, 1-based): chr5:177,515,247, C>T on the plus strand (G>A on the coding strand, the complement: DDX41 is on the minus strand). VCF-style: chr5-177515247-C-T. GRCh37 (hg19) VCF-style: chr5-176942248-C-T.
Other names: c.205G>A, p.Gly69Ser (NM_001321732.2, NM_001321830.2); c.583G>A (NM_016222.2); short protein forms G195S, G69S.
Identifiers: ClinVar variation 2891433 (VCV002891433.4), dbSNP rs771510721, ClinGen allele CA3585098.
Genomic context (GRCh38, chr5:177,515,247, plus strand): 5'-TGGTGGGGATGCCCTGGATCTGAATGGGTGTTGGGTGGTGAATGCCTTTCTTCTTCAGGC[C>T]TCTCAGGATGGCTATGAAAACCAACCGACATCGTCTTCATGACTCACAGGTACTTTCTCA-3'
Protein context (NP_057306.2, residues 185-205): EMKFPAAILR[Gly195Ser]LKKKGIHHPT

ClinVar aggregate classification (germline): Uncertain significance. Review status: criteria provided, multiple submitters, no conflicts (2 of 4 stars). 2 submissions from 2 submitters: Uncertain significance (2). Last evaluated 2025-03-12.

Conditions:
Inborn genetic diseases. Identifiers: MedGen C0950123, MeSH D030342.

Allele frequency attached by ClinVar (database versions not stated): gnomAD exomes below 0.00001; TOPMed below 0.00001; ExAC 0.00001.
gnomAD v4.1: 6 of 1,614,002 alleles (0.00037%); highest among the groups gnomAD compares: Admixed American, 0.005%; no homozygotes.

Submissions (2):

Ambry Genetics
Classification: Uncertain significance for Inborn genetic diseases. Last evaluated: 2025-03-12. Review status: criteria provided, single submitter. Criteria: Ambry Variant Classification Scheme 2023. Collection method: clinical testing. Allele origin: germline.
Comment: The p.G195S variant (also known as c.583G>A), located in coding exon 7 of the DDX41 gene, results from a G to A substitution at nucleotide position 583. The glycine at codon 195 is replaced by serine, an amino acid with similar properties. This variant has been reported in two United Kingdom Biobank participants in a study of the prevalence of DDX41 variants in the general population (Cheloor Kovilakam S et al. Blood, 2023 Oct;142:1185-1192).This amino acid position is highly conserved in available vertebrate species. In addition, the in silico prediction for this alteration is inconclusive. Based on the available evidence, the clinical significance of this variant remains unclear.

Labcorp Genetics (formerly Invitae), Labcorp
Classification: Uncertain significance. Last evaluated: 2023-11-14. Review status: criteria provided, single submitter. Criteria: Invitae Variant Classification Sherloc (09022015). Collection method: clinical testing. Allele origin: germline.
Comment: This sequence change replaces glycine, which is neutral and non-polar, with serine, which is neutral and polar, at codon 195 of the DDX41 protein (p.Gly195Ser). This variant is present in population databases (rs771510721, gnomAD 0.006%). This variant has not been reported in the literature in individuals affected with DDX41-related conditions. An algorithm developed to predict the effect of missense changes on protein structure and function (PolyPhen-2) suggests that this variant is likely to be tolerated. In summary, the available evidence is currently insufficient to determine the role of this variant in disease. Therefore, it has been classified as a Variant of Uncertain Significance.

Literature cited by the submitters: PubMed 37506341 (cited by Ambry Genetics).